The following is an entry in ClinVar:

ClinVar aggregate classification (germline): Uncertain significance. Review status: criteria provided, multiple submitters, no conflicts (2 of 4 stars). 3 submissions from 3 submitters: Uncertain significance (3). Last evaluated 2025-07-15.

Conditions:
Emery-Dreifuss muscular dystrophy 5, autosomal dominant (EDMD5). Also called: EMERY-DREIFUSS MUSCULAR DYSTROPHY 5. Identifiers: Orphanet 261, MedGen C2751805, MONDO:0013072, OMIM 612999.

Allele frequency attached by ClinVar (database versions not stated): ExAC 0.00001; gnomAD 0.00001; gnomAD exomes 0.00001; TOPMed 0.00002.
gnomAD v4.1: 27 of 1,613,850 alleles (0.0017%); highest among the groups gnomAD compares: Non-Finnish European, 0.0021%; no homozygotes.

Submissions (3):

Ambry Genetics
Classification: Uncertain significance. Last evaluated: 2025-07-15. Review status: criteria provided, single submitter. Criteria: Ambry Variant Classification Scheme 2023. Collection method: clinical testing. Allele origin: germline.

Labcorp Genetics (formerly Invitae), Labcorp
Classification: Uncertain significance for Emery-Dreifuss muscular dystrophy 5, autosomal dominant. Last evaluated: 2024-12-12. Review status: criteria provided, single submitter. Criteria: Invitae Variant Classification Sherloc (09022015). Collection method: clinical testing. Allele origin: germline.
Comment: This sequence change replaces serine, which is neutral and polar, with cysteine, which is neutral and slightly polar, at codon 4123 of the SYNE2 protein (p.Ser4123Cys). This variant is present in population databases (rs759668362, gnomAD 0.003%). This variant has not been reported in the literature in individuals affected with SYNE2-related conditions. ClinVar contains an entry for this variant (Variation ID: 883621). An algorithm developed to predict the effect of missense changes on protein structure and function (PolyPhen-2) suggests that this variant is likely to be disruptive. In summary, the available evidence is currently insufficient to determine the role of this variant in disease. Therefore, it has been classified as a Variant of Uncertain Significance.

Illumina Laboratory Services, Illumina
Classification: Uncertain significance for Emery-Dreifuss muscular dystrophy 5, autosomal dominant. Last evaluated: 2018-01-13. Review status: criteria provided, single submitter. Criteria: ICSL Variant Classification Criteria 13 December 2019. Collection method: clinical testing. Allele origin: germline.

NM_182914.3(SYNE2):c.12368C>G (p.Ser4123Cys)

Gene: SYNE2 (spectrin repeat containing nuclear envelope protein 2; plus strand). Cytogenetic location: 14q23.2.
Variant type: single nucleotide variant.
Coding change: c.12368C>G on transcript NM_182914.3 (MANE Select); coding-DNA position 12368, C replaced by G.
Protein change: p.Ser4123Cys; replaces serine 4123 with cysteine.
Molecular consequence: missense variant.
Genome position (GRCh38, 1-based): chr14:64,098,808, C>G. VCF-style: chr14-64098808-C-G. GRCh37 (hg19) VCF-style: chr14-64565526-C-G.
Other names: c.12368C>G, p.Ser4123Cys (NM_015180.6); short protein forms S4123C.
Identifiers: ClinVar variation 883621 (VCV000883621.12), dbSNP rs759668362, ClinGen allele CA7222096.
Genomic context (GRCh38, chr14:64,098,808, plus strand): 5'-TGAACAGAAGAGGCTCCATGTCTTACCTGGCAGCAGTCGAGGAAGAGGTGGAAGAAAGTT[C>G]CGTGAAGAGCGATGTAAGGGAAATGATTTTCTTGTTAAAGTTTGTTAGAACCAGATCTCT-3'
Protein context (NP_878918.2, residues 4113-4133): AAVEEEVEES[Ser4123Cys]VKSDNGDEKA